The following is an entry in ClinVar:

NM_002528.7(NTHL1):c.-9G>T

Gene: NTHL1 (nth like DNA glycosylase 1; minus strand). Cytogenetic location: 16p13.3.
Variant type: single nucleotide variant.
Coding change: c.-9G>T on transcript NM_002528.7 (MANE Select); 9 bases upstream of the start codon, G replaced by T.
Molecular consequence: 5 prime UTR variant.
Genome position (GRCh38, 1-based): chr16:2,047,832, C>A on the plus strand (G>T on the coding strand, the complement: NTHL1 is on the minus strand). VCF-style: chr16-2047832-C-A. GRCh37 (hg19) VCF-style: chr16-2097833-C-A.
Other names: c.-9G>T (NM_001318193.2); c.-187G>T (NM_001318194.2).
Identifiers: ClinVar variation 2673806 (VCV002673806.1), dbSNP rs370913375, ClinGen allele CA394298816.

ClinVar aggregate classification (germline): Pathogenic (1 of 4 stars; one submission).

Conditions:
Familial adenomatous polyposis 3. Also called: NTHL1-Related Adenomatous Polyposis and Colorectal Cancer; NTHL1 Tumor Syndrome; NTHL1-related attenuated familial adenomatous polyposis; NTHL1-associated polyposis. Identifiers: Orphanet 220460, Orphanet 454840, MedGen C4225157, MONDO:0014630, OMIM 616415.

Submission:

Myriad Genetics, Inc.
Classification: Pathogenic for Familial adenomatous polyposis 3. Last evaluated: 2023-08-31. Review status: criteria provided, single submitter. Criteria: Myriad Autosomal Dominant, Autosomal Recessive and X-Linked Classification Criteria (2023). Collection method: clinical testing. Allele origin: unknown.
Comment: This variant is considered pathogenic. This variant creates a termination codon and is predicted to result in premature protein truncation.